The following is an entry in ClinVar:

ClinVar aggregate classification (germline): Uncertain significance (1 of 4 stars; one submission).

Conditions:
Hereditary cancer-predisposing syndrome. Also called: Tumor predisposition; Hereditary neoplastic syndrome; Hereditary Cancer Syndrome; Neoplastic Syndromes, Hereditary. Identifiers: Orphanet 140162, MedGen C0027672, MeSH D009386, MONDO:0015356.

Submission:

Ambry Genetics
Classification: Uncertain significance for Hereditary cancer-predisposing syndrome. Last evaluated: 2025-05-02. Review status: criteria provided, single submitter. Criteria: Ambry Variant Classification Scheme 2023. Collection method: clinical testing. Allele origin: germline.
Comment: The p.S167T variant (also known as c.499T>A), located in coding exon 3 of the TMEM127 gene, results from a T to A substitution at nucleotide position 499. The serine at codon 167 is replaced by threonine, an amino acid with similar properties. This amino acid position is conserved. In addition, this alteration is predicted to be deleterious by in silico analysis. Based on the available evidence, the clinical significance of this variant remains unclear.

NM_017849.4(TMEM127):c.499T>A (p.Ser167Thr)

Gene: TMEM127 (transmembrane protein 127; minus strand). Cytogenetic location: 2q11.2.
Variant type: single nucleotide variant.
Coding change: c.499T>A on transcript NM_017849.4 (MANE Select); coding-DNA position 499, T replaced by A.
Protein change: p.Ser167Thr; replaces serine 167 with threonine.
Molecular consequence: missense variant.
Genome position (GRCh38, 1-based): chr2:96,254,026, A>T on the plus strand (T>A on the coding strand, the complement: TMEM127 is on the minus strand). VCF-style: chr2-96254026-A-T. GRCh37 (hg19) VCF-style: chr2-96919764-A-T.
Other names: c.499T>A, p.Ser167Thr (NM_001193304.3); c.247T>A, p.Ser83Thr (NM_001407282.1, NM_001407283.1); short protein forms S83T, S167T.
Identifiers: ClinVar variation 3969906 (VCV003969906.1).